The following is an entry in ClinVar:

ClinVar aggregate classification (germline): Uncertain significance. Review status: criteria provided, multiple submitters, no conflicts (2 of 4 stars). 3 submissions from 3 submitters: Uncertain significance (3). Last evaluated 2025-08-07.

Conditions:
Inborn genetic diseases. Identifiers: MedGen C0950123, MeSH D030342.

Allele frequency attached by ClinVar (database versions not stated): TOPMed below 0.00001.
gnomAD v4.1: 5 of 1,613,632 alleles (0.00031%); highest among the groups gnomAD compares: South Asian, 0.0011%; no homozygotes.

Submissions (3):

Ambry Genetics
Classification: Uncertain significance for Inborn genetic diseases. Last evaluated: 2025-08-07. Review status: criteria provided, single submitter. Criteria: Ambry Variant Classification Scheme 2023. Collection method: clinical testing. Allele origin: germline.

Labcorp Genetics (formerly Invitae), Labcorp
Classification: Uncertain significance. Last evaluated: 2022-08-22. Review status: criteria provided, single submitter. Criteria: Invitae Variant Classification Sherloc (09022015). Collection method: clinical testing. Allele origin: germline.
Comment: This sequence change replaces serine, which is neutral and polar, with leucine, which is neutral and non-polar, at codon 944 of the CACNA2D4 protein (p.Ser944Leu). This variant is present in population databases (no rsID available, gnomAD 0.0009%). This variant has not been reported in the literature in individuals affected with CACNA2D4-related conditions. ClinVar contains an entry for this variant (Variation ID: 1011592). Algorithms developed to predict the effect of missense changes on protein structure and function output the following: SIFT: "Tolerated"; PolyPhen-2: "Benign"; Align-GVGD: "Class C0". The leucine amino acid residue is found in multiple mammalian species, which suggests that this missense change does not adversely affect protein function. In summary, the available evidence is currently insufficient to determine the role of this variant in disease. Therefore, it has been classified as a Variant of Uncertain Significance.

Blueprint Genetics
Classification: Uncertain significance. Last evaluated: 2019-08-14. Review status: criteria provided, single submitter. Criteria: ACMG Guidelines, 2015. Collection method: clinical testing. Allele origin: germline.

NM_172364.5(CACNA2D4):c.2831C>T (p.Ser944Leu)

Gene: CACNA2D4 (calcium voltage-gated channel auxiliary subunit alpha2delta 4; minus strand). Cytogenetic location: 12p13.33.
Variant type: single nucleotide variant.
Coding change: c.2831C>T on transcript NM_172364.5 (MANE Select); coding-DNA position 2831, C replaced by T.
Protein change: p.Ser944Leu; replaces serine 944 with leucine.
Molecular consequence: missense variant.
Genome position (GRCh38, 1-based): chr12:1,801,080, G>A on the plus strand (C>T on the coding strand, the complement: CACNA2D4 is on the minus strand). VCF-style: chr12-1801080-G-A. GRCh37 (hg19) VCF-style: chr12-1910246-G-A.
Other names: c.2831C>T (NM_172364.4); short protein forms S944L.
Identifiers: ClinVar variation 1011592 (VCV001011592.12), dbSNP rs764887508, ClinGen allele CA383349174.